The following is an entry in ClinVar:

ClinVar aggregate classification (germline): Benign/Likely benign. Review status: criteria provided, multiple submitters, no conflicts (2 of 4 stars). 17 submissions from 16 submitters: Benign (9); Likely benign (6). 2 of the submissions do not count toward it. Last evaluated 2026-09-01.

Conditions:
Inborn genetic diseases. Identifiers: MedGen C0950123, MeSH D030342.
Developmental and epileptic encephalopathy, 14 (DEE14). Also called: Early infantile epileptic encephalopathy 14. Identifiers: Orphanet 293181, MedGen C3554195, MONDO:0013989, OMIM 614959.
Autosomal dominant nocturnal frontal lobe epilepsy 5. Also called: Epilepsy, nocturnal frontal lobe, 5; CILIARY DYSKINESIA, PRIMARY, 28, WITHOUT SITUS INVERSUS; CILIARY DYSKINESIA, PRIMARY, 28, WITH SITUS INVERSUS; KCNT1-Related Epilepsy. Identifiers: Orphanet 98784, MedGen C3554306, MONDO:0014002, OMIM 615005.

Allele frequency attached by ClinVar (database versions not stated): gnomAD exomes 0.00796 and 0.00432; ESP Exome Variant Server 0.00424; gnomAD 0.00480 and 0.00491; TOPMed 0.00493; ExAC 0.00673; 1000 Genomes Project 0.00240; 1000 Genomes Project 30x 0.00344.
gnomAD v4.1: 12,058 of 1,600,666 alleles (0.75%); highest among the groups gnomAD compares: Non-Finnish European, 0.95%; 62 homozygotes.

Submissions (17):

CeGaT Center for Human Genetics Tuebingen
Classification: Benign. Last evaluated: 2026-09-01. Review status: criteria provided, single submitter. Criteria: CeGaT Center For Human Genetics Tuebingen Variant Classification Criteria Version 2. Collection method: clinical testing. Allele origin: germline. Affected: yes. Observed: 46 variant alleles.
Comment: KCNT1: BP4, BS1, BS2

Labcorp Genetics (formerly Invitae), Labcorp
Classification: Benign for Autosomal dominant nocturnal frontal lobe epilepsy 5; Developmental and epileptic encephalopathy, 14. Last evaluated: 2026-02-03. Review status: criteria provided, single submitter. Criteria: Invitae Variant Classification Sherloc (09022015). Collection method: clinical testing. Allele origin: germline.

ARUP Laboratories, Molecular Genetics and Genomics, ARUP Laboratories
Classification: Benign. Last evaluated: 2025-07-17. Review status: criteria provided, single submitter. Criteria: ARUP Molecular Germline Variant Investigation Process 2024. Collection method: clinical testing. Allele origin: germline.

Genome-Nilou Lab
Classification: Likely benign for Developmental and epileptic encephalopathy, 14. Last evaluated: 2022-03-15. Review status: criteria provided, single submitter. Criteria: ACMG Guidelines, 2015. Collection method: clinical testing. Allele origin: germline. Affected: no.

Genome-Nilou Lab
Classification: Likely benign for Autosomal dominant nocturnal frontal lobe epilepsy 5. Last evaluated: 2022-03-15. Review status: criteria provided, single submitter. Criteria: ACMG Guidelines, 2015. Collection method: clinical testing. Allele origin: germline. Affected: no.

Fulgent Genetics
Classification: Likely benign for Developmental and epileptic encephalopathy, 14; Autosomal dominant nocturnal frontal lobe epilepsy 5. Last evaluated: 2021-07-30. Review status: criteria provided, single submitter. Criteria: ACMG Guidelines, 2015. Collection method: clinical testing. Allele origin: unknown.

Mayo Clinic Laboratories, Mayo Clinic
Classification: Benign. Last evaluated: 2019-06-27. Review status: criteria provided, single submitter. Criteria: ACMG Guidelines, 2015. Collection method: clinical testing. Allele origin: germline. Observed: 7 variant alleles.

Athena Diagnostics
Classification: Benign. Last evaluated: 2019-05-02. Review status: criteria provided, single submitter. Criteria: Athena Diagnostics Criteria. Collection method: clinical testing. Allele origin: germline.

Ambry Genetics
Classification: Benign for Inborn genetic diseases. Last evaluated: 2016-10-12. Review status: criteria provided, single submitter. Criteria: Ambry Variant Classification Scheme 2023. Collection method: clinical testing. Allele origin: germline.

Center for Pediatric Genomic Medicine, Children's Mercy Hospital and Clinics
Classification: Likely benign. Last evaluated: 2016-10-12. Review status: criteria provided, single submitter. Criteria: ACMG Guidelines, 2015. Collection method: clinical testing. Allele origin: germline.
ClinVar note: Converted during submission from Likely Benign to Likely benign.

GeneDx
Classification: Benign. Last evaluated: 2016-01-29. Review status: criteria provided, single submitter. Criteria: GeneDx Variant Classification (06012015). Collection method: clinical testing. Allele origin: germline. Affected: yes.
Comment: This variant is considered likely benign or benign based on one or more of the following criteria: it is a conservative change, it occurs at a poorly conserved position in the protein, it is predicted to be benign by multiple in silico algorithms, and/or has population frequency not consistent with disease.

Genetic Services Laboratory, University of Chicago
Classification: Likely benign. Last evaluated: 2014-12-15. Review status: criteria provided, single submitter. Criteria: ACMG Guidelines, 2015. Collection method: clinical testing. Allele origin: germline.

Eurofins Ntd Llc (ga)
Classification: Benign. Last evaluated: 2014-08-07. Review status: criteria provided, single submitter. Criteria: EGL Classification Definitions 2015. Collection method: clinical testing. Allele origin: germline. Observed: 2 variant alleles, 2 heterozygotes.

Breakthrough Genomics
Classification: Likely benign. Review status: criteria provided, single submitter. Criteria: ACMG Guidelines, 2015. Collection method: not provided. Allele origin: germline. Inheritance: Autosomal dominant inheritance. Affected: yes.

PreventionGenetics, part of Exact Sciences
Classification: Benign. Review status: criteria provided, single submitter. Criteria: ACMG Guidelines, 2015. Collection method: clinical testing. Allele origin: germline.

Diagnostic Laboratory, Department of Genetics, University Medical Center Groningen
Classification: Benign. Review status: no assertion criteria provided. Collection method: clinical testing. Allele origin: germline. Affected: yes. Study: VKGL Data-share Consensus. Not counted in ClinVar's aggregate classification.

Genome Diagnostics Laboratory, University Medical Center Utrecht
Classification: Benign. Review status: no assertion criteria provided. Collection method: clinical testing. Allele origin: germline. Affected: yes. Study: VKGL Data-share Consensus. Not counted in ClinVar's aggregate classification.

NM_020822.3(KCNT1):c.3295C>T (p.Pro1099Ser)

Gene: KCNT1 (potassium sodium-activated channel subfamily T member 1; plus strand). Cytogenetic location: 9q34.3.
Variant type: single nucleotide variant.
Coding change: c.3295C>T on transcript NM_020822.3 (MANE Select); coding-DNA position 3295, C replaced by T.
Protein change: p.Pro1099Ser; replaces proline 1099 with serine.
Molecular consequence: missense variant.
Genome position (GRCh38, 1-based): chr9:135,786,314, C>T. VCF-style: chr9-135786314-C-T. GRCh37 (hg19) VCF-style: chr9-138678160-C-T.
Other names: p.Pro1099Ser; c.3160C>T, p.Pro1054Ser (NM_001272003.2); short protein forms P1099S, P1054S.
Identifiers: ClinVar variation 129362 (VCV000129362.62), dbSNP rs200642629, ClinGen allele CA202185.